The following is an entry in ClinVar:

NM_020921.4(NIN):c.5584A>G (p.Met1862Val)

Gene: NIN (ninein; minus strand). Cytogenetic location: 14q22.1.
Variant type: single nucleotide variant.
Coding change: c.5584A>G on transcript NM_020921.4 (MANE Select); coding-DNA position 5584, A replaced by G.
Protein change: p.Met1862Val; replaces methionine 1862 with valine.
Molecular consequence: missense variant.
Genome position (GRCh38, 1-based): chr14:50,739,352, T>C on the plus strand (A>G on the coding strand, the complement: NIN is on the minus strand). VCF-style: chr14-50739352-T-C. GRCh37 (hg19) VCF-style: chr14-51206070-T-C.
Other names: c.3445A>G, p.Met1149Val (NM_016350.5); c.5584A>G, p.Met1862Val (NM_182944.3, NM_182946.2); short protein forms M1149V, M1862V.
Identifiers: ClinVar variation 1328363 (VCV001328363.4), dbSNP rs576676777, ClinGen allele CA7181231.

ClinVar aggregate classification (germline): Uncertain significance. Review status: criteria provided, single submitter (1 of 4 stars). 3 submissions from 3 submitters: Uncertain significance (1). 2 of the submissions do not count toward it. Last evaluated 2024-10-22.

Allele frequency attached by ClinVar (database versions not stated): gnomAD 0.00001; gnomAD exomes 0.00002 and 0.00004; ExAC 0.00003; TOPMed 0.00003.

Submissions (3):

Labcorp Genetics (formerly Invitae), Labcorp
Classification: Uncertain significance. Last evaluated: 2024-10-22. Review status: criteria provided, single submitter. Criteria: Invitae Variant Classification Sherloc (09022015). Collection method: clinical testing. Allele origin: germline.
Comment: This sequence change replaces methionine, which is neutral and non-polar, with valine, which is neutral and non-polar, at codon 1862 of the NIN protein (p.Met1862Val). This variant is present in population databases (rs576676777, gnomAD 0.06%), and has an allele count higher than expected for a pathogenic variant. This variant has not been reported in the literature in individuals affected with NIN-related conditions. ClinVar contains an entry for this variant (Variation ID: 1328363). An algorithm developed to predict the effect of missense changes on protein structure and function outputs the following: PolyPhen-2: "Benign". The valine amino acid residue is found in multiple mammalian species, which suggests that this missense change does not adversely affect protein function. In summary, the available evidence is currently insufficient to determine the role of this variant in disease. Therefore, it has been classified as a Variant of Uncertain Significance.

Clinical Genetics DNA and cytogenetics Diagnostics Lab, Erasmus MC, Erasmus Medical Center
Classification: Likely benign. Review status: no assertion criteria provided. Collection method: clinical testing. Allele origin: germline. Affected: yes. Study: VKGL Data-share Consensus. Not counted in ClinVar's aggregate classification.

Laboratory of Diagnostic Genome Analysis, Leiden University Medical Center (LUMC)
Classification: Likely benign. Review status: no assertion criteria provided. Collection method: clinical testing. Allele origin: germline. Affected: yes. Study: VKGL Data-share Consensus. Not counted in ClinVar's aggregate classification.